The following is an entry in ClinVar:

ClinVar aggregate classification (germline): Uncertain significance (1 of 4 stars; one submission).

Conditions:
Congenital myasthenic syndrome 4A. Also called: Myasthenic syndrome, congenital, 4a, slow-channel; CONGENITAL MYASTHENIC SYNDROME TYPE Ia1; MYASTHENIC SYNDROME, CONGENITAL, 4A, SLOW-CHANNEL, AUTOSOMAL RECESSIVE. Identifiers: Orphanet 590, MedGen C4225413, MONDO:0011600, OMIM 605809.

Allele frequency attached by ClinVar (database versions not stated): gnomAD exomes below 0.00001.
gnomAD v4.1: 2 of 1,614,118 alleles (0.00012%); highest among the groups gnomAD compares: Non-Finnish European, 0.00017%; no homozygotes.

Submission:

Labcorp Genetics (formerly Invitae), Labcorp
Classification: Uncertain significance for Congenital myasthenic syndrome 4A. Last evaluated: 2022-02-08. Review status: criteria provided, single submitter. Criteria: Invitae Variant Classification Sherloc (09022015). Collection method: clinical testing. Allele origin: germline.
Comment: Advanced modeling of protein sequence and biophysical properties (such as structural, functional, and spatial information, amino acid conservation, physicochemical variation, residue mobility, and thermodynamic stability) performed at Invitae indicates that this missense variant is expected to disrupt CHRNE protein function. In summary, the available evidence is currently insufficient to determine the role of this variant in disease. Therefore, it has been classified as a Variant of Uncertain Significance. This variant is not present in population databases (gnomAD no frequency). This sequence change replaces proline, which is neutral and non-polar, with leucine, which is neutral and non-polar, at codon 140 of the CHRNE protein (p.Pro140Leu). This variant has not been reported in the literature in individuals affected with CHRNE-related conditions.

NM_000080.4(CHRNE):c.419C>T (p.Pro140Leu)

Genes: C17orf107 (chromosome 17 open reading frame 107; plus strand), CHRNE (cholinergic receptor nicotinic epsilon subunit; minus strand). Cytogenetic location: 17p13.2.
Variant type: single nucleotide variant.
Coding change: c.419C>T on transcript NM_000080.4 (MANE Select); coding-DNA position 419, C replaced by T.
Protein change: p.Pro140Leu; replaces proline 140 with leucine.
Molecular consequence: missense variant. On other transcripts: 3 prime UTR variant (1).
Genome position (GRCh38, 1-based): chr17:4,902,013, G>A on the plus strand (C>T on the coding strand, the complement: CHRNE is on the minus strand). VCF-style: chr17-4902013-G-A. GRCh37 (hg19) VCF-style: chr17-4805308-G-A.
Other names: c.*1480G>A (NM_001145536.2); short protein forms P140L.
Identifiers: ClinVar variation 1917751 (VCV001917751.5), dbSNP rs2507560329, ClinGen allele CA397306233.